The following is an entry in ClinVar:

NM_002439.5(MSH3):c.2947A>C (p.Thr983Pro)

Gene: MSH3 (mutS homolog 3; plus strand). Cytogenetic location: 5q14.1.
Variant type: single nucleotide variant.
Coding change: c.2947A>C on transcript NM_002439.5 (MANE Select); coding-DNA position 2947, A replaced by C.
Protein change: p.Thr983Pro; replaces threonine 983 with proline.
Molecular consequence: missense variant.
Genome position (GRCh38, 1-based): chr5:80,854,263, A>C. VCF-style: chr5-80854263-A-C. GRCh37 (hg19) VCF-style: chr5-80150082-A-C.
Other names: short protein forms T983P.
Identifiers: ClinVar variation 3398730 (VCV003398730.1).

ClinVar aggregate classification (germline): Uncertain significance (1 of 4 stars; one submission).

Conditions:
Hereditary cancer-predisposing syndrome. Also called: Hereditary Cancer Syndrome; Tumor predisposition; Hereditary neoplastic syndrome; Neoplastic Syndromes, Hereditary. Identifiers: Orphanet 140162, MedGen C0027672, MeSH D009386, MONDO:0015356.

Submission:

Ambry Genetics
Classification: Uncertain significance for Hereditary cancer-predisposing syndrome. Last evaluated: 2024-09-21. Review status: criteria provided, single submitter. Criteria: Ambry Variant Classification Scheme 2023. Collection method: clinical testing. Allele origin: germline.
Comment: The p.T983P variant (also known as c.2947A>C), located in coding exon 21 of the MSH3 gene, results from an A to C substitution at nucleotide position 2947. The threonine at codon 983 is replaced by proline, an amino acid with highly similar properties. This amino acid position is conserved. In addition, this alteration is predicted to be deleterious by in silico analysis. Based on the available evidence, the clinical significance of this variant remains unclear.